The following is an entry in ClinVar:

NM_004336.5(BUB1):c.1328A>C (p.Asn443Thr)

Gene: BUB1 (BUB1 mitotic checkpoint serine/threonine kinase; minus strand). Cytogenetic location: 2q13.
Variant type: single nucleotide variant.
Coding change: c.1328A>C on transcript NM_004336.5 (MANE Select); coding-DNA position 1328, A replaced by C.
Protein change: p.Asn443Thr; replaces asparagine 443 with threonine.
Molecular consequence: missense variant.
Genome position (GRCh38, 1-based): chr2:110,658,691, T>G on the plus strand (A>C on the coding strand, the complement: BUB1 is on the minus strand). VCF-style: chr2-110658691-T-G. GRCh37 (hg19) VCF-style: chr2-111416268-T-G.
Other names: c.1268A>C, p.Asn423Thr (NM_001278616.2); c.1328A>C, p.Asn443Thr (NM_001278617.2); short protein forms N443T, N423T.
Identifiers: ClinVar variation 2593921 (VCV002593921.2), dbSNP rs1689999134, ClinGen allele CA348212659.
Genomic context (GRCh38, chr2:110,658,691, plus strand): 5'-TGCACGGTGGGTGATGGCTGCACTTTGGATGGCGTTGCCTGAACCATTCCCAGTGATGTG[T>G]TTGGAGTTGTGTGAAAAGAACTTGTGTTGGCAACCTTATGTGTTTCACACCCTAGCAAAG-3'
Protein context (NP_004327.1, residues 433-453): ANTSSFHTTP[Asn443Thr]TSLGMVQATP

ClinVar aggregate classification (germline): Uncertain significance (1 of 4 stars; one submission).

Allele frequency attached by ClinVar (database versions not stated): gnomAD 0.00001; TOPMed 0.00001.
gnomAD v4.1: 3 of 1,614,094 alleles (0.00019%); highest among the groups gnomAD compares: African/African-American, 0.0027%; no homozygotes.

Submission:

Ambry Genetics
Classification: Uncertain significance. Last evaluated: 2023-06-24. Review status: criteria provided, single submitter. Criteria: Ambry Variant Classification Scheme 2023. Collection method: clinical testing. Allele origin: germline.
Comment: The p.N443T variant (also known as c.1328A>C), located in coding exon 12 of the BUB1 gene, results from an A to C substitution at nucleotide position 1328. The asparagine at codon 443 is replaced by threonine, an amino acid with similar properties. This amino acid position is conserved. In addition, this alteration is predicted to be tolerated by in silico analysis. Since supporting evidence is limited at this time, the clinical significance of this alteration remains unclear.